The following is an entry in ClinVar:

NM_005422.4(TECTA):c.6064T>G (p.Phe2022Val)

Genes: TBCEL-TECTA (TBCEL-TECTA readthrough; plus strand), TECTA (tectorin alpha; plus strand). Cytogenetic location: 11q23.3.
Variant type: single nucleotide variant.
Coding change: c.6064T>G on transcript NM_005422.4 (MANE Select); coding-DNA position 6064, T replaced by G.
Protein change: p.Phe2022Val; replaces phenylalanine 2022 with valine.
Molecular consequence: missense variant.
Genome position (GRCh38, 1-based): chr11:121,187,896, T>G. VCF-style: chr11-121187896-T-G. GRCh37 (hg19) VCF-style: chr11-121058605-T-G.
Other names: c.7006T>G, p.Phe2336Val (NM_001378761.1); short protein forms F2022V, F2336V.
Identifiers: ClinVar variation 4539975 (VCV004539975.1).

ClinVar aggregate classification (germline): Uncertain significance (1 of 4 stars; one submission).

Submission:

GeneDx
Classification: Uncertain significance. Last evaluated: 2025-06-27. Review status: criteria provided, single submitter. Criteria: GeneDx Variant Classification Process June 2021. Collection method: clinical testing. Allele origin: germline. Affected: yes.
Comment: Not observed at significant frequency in large population cohorts (gnomAD); In silico analysis suggests that this missense variant does not alter protein structure/function; Has not been previously published as pathogenic or benign to our knowledge; This variant is associated with the following publications: (PMID: 21520338, 31554319, 9590290, 16718611)